The following is an entry in ClinVar:

ClinVar aggregate classification (germline): Uncertain significance. Review status: criteria provided, multiple submitters, no conflicts (2 of 4 stars). 3 submissions from 3 submitters: Uncertain significance (3). Last evaluated 2026-02-14.

Allele frequency attached by ClinVar (database versions not stated): gnomAD exomes 0.00001; ExAC 0.00004; TOPMed 0.00005; gnomAD 0.00006.
gnomAD v4.1: 17 of 1,593,026 alleles (0.0011%); highest among the groups gnomAD compares: African/African-American, 0.019%; no homozygotes.

Submissions (3):

GeneDx
Classification: Uncertain significance. Last evaluated: 2026-02-14. Review status: criteria provided, single submitter. Criteria: GeneDx Variant Classification Process June 2021. Collection method: clinical testing. Allele origin: germline.
Comment: In silico analysis supports that this missense variant has a deleterious effect on protein structure/function; Has not been previously published as pathogenic or benign to our knowledge

Blueprint Genetics
Classification: Uncertain significance. Last evaluated: 2022-08-26. Review status: criteria provided, single submitter. Criteria: ACMG Guidelines, 2015. Collection method: clinical testing. Allele origin: germline.

Labcorp Genetics (formerly Invitae), Labcorp
Classification: Uncertain significance. Last evaluated: 2022-05-11. Review status: criteria provided, single submitter. Criteria: Invitae Variant Classification Sherloc (09022015). Collection method: clinical testing. Allele origin: germline.
Comment: In summary, the available evidence is currently insufficient to determine the role of this variant in disease. Therefore, it has been classified as a Variant of Uncertain Significance. Algorithms developed to predict the effect of missense changes on protein structure and function are either unavailable or do not agree on the potential impact of this missense change (SIFT: "Tolerated"; PolyPhen-2: "Probably Damaging"; Align-GVGD: "Class C0"). This variant has not been reported in the literature in individuals affected with GPR179-related conditions. This variant is present in population databases (rs777860993, gnomAD 0.03%). This sequence change replaces proline, which is neutral and non-polar, with leucine, which is neutral and non-polar, at codon 932 of the GPR179 protein (p.Pro932Leu).

NM_001004334.4(GPR179):c.2795C>T (p.Pro932Leu)

Gene: GPR179 (G protein-coupled receptor 179; minus strand). Cytogenetic location: 17q12.
Variant type: single nucleotide variant.
Coding change: c.2795C>T on transcript NM_001004334.4 (MANE Select); coding-DNA position 2795, C replaced by T.
Protein change: p.Pro932Leu; replaces proline 932 with leucine.
Molecular consequence: missense variant.
Genome position (GRCh38, 1-based): chr17:38,330,774, G>A on the plus strand (C>T on the coding strand, the complement: GPR179 is on the minus strand). VCF-style: chr17-38330774-G-A. GRCh37 (hg19) VCF-style: chr17-36486657-G-A.
Other names: c.2795C>T (NM_001004334.3); short protein forms P932L.
Identifiers: ClinVar variation 1937579 (VCV001937579.7), dbSNP rs777860993, ClinGen allele CA290105571.